The following is an entry in ClinVar:

NM_173728.4(ARHGEF15):c.2030A>G (p.Lys677Arg)

Gene: ARHGEF15 (Rho guanine nucleotide exchange factor 15; plus strand). Cytogenetic location: 17p13.1.
Variant type: single nucleotide variant.
Coding change: c.2030A>G on transcript NM_173728.4 (MANE Select); coding-DNA position 2030, A replaced by G.
Protein change: p.Lys677Arg; replaces lysine 677 with arginine.
Molecular consequence: missense variant.
Genome position (GRCh38, 1-based): chr17:8,318,907, A>G. VCF-style: chr17-8318907-A-G. GRCh37 (hg19) VCF-style: chr17-8222225-A-G.
Other names: c.2030A>G, p.Lys677Arg (NM_025014.2); short protein forms K677R.
Identifiers: ClinVar variation 2163949 (VCV002163949.4), dbSNP rs1468072726, ClinGen allele CA398024075.

ClinVar aggregate classification (germline): Uncertain significance (1 of 4 stars; one submission).

Conditions:
Early-infantile DEE. Also called: Ohtahara syndrome; Early infantile epileptic encephalopathy with suppression bursts; Early infantile epileptic encephalopathy. Identifiers: Orphanet 1934, MedGen C0393706, MONDO:0800491.

Allele frequency attached by ClinVar (database versions not stated): gnomAD exomes below 0.00001; gnomAD 0.00001.
gnomAD v4.1: 5 of 1,612,104 alleles (0.00031%); highest among the groups gnomAD compares: East Asian, 0.0067%; no homozygotes.

Submission:

Labcorp Genetics (formerly Invitae), Labcorp
Classification: Uncertain significance for Early-infantile DEE. Last evaluated: 2022-08-09. Review status: criteria provided, single submitter. Criteria: Invitae Variant Classification Sherloc (09022015). Collection method: clinical testing. Allele origin: germline.
Comment: In summary, the available evidence is currently insufficient to determine the role of this variant in disease. Therefore, it has been classified as a Variant of Uncertain Significance. Algorithms developed to predict the effect of missense changes on protein structure and function (SIFT, PolyPhen-2, Align-GVGD) all suggest that this variant is likely to be disruptive. This variant has not been reported in the literature in individuals affected with ARHGEF15-related conditions. This variant is present in population databases (no rsID available, gnomAD 0.06%). This sequence change replaces lysine, which is basic and polar, with arginine, which is basic and polar, at codon 677 of the ARHGEF15 protein (p.Lys677Arg).